The following is an entry in ClinVar:

NM_000143.4(FH):c.1471T>C (p.Tyr491His)

Gene: FH (fumarate hydratase; minus strand). Cytogenetic location: 1q43.
Variant type: single nucleotide variant.
Coding change: c.1471T>C on transcript NM_000143.4 (MANE Select); coding-DNA position 1471, T replaced by C.
Protein change: p.Tyr491His; replaces tyrosine 491 with histidine.
Molecular consequence: missense variant.
Genome position (GRCh38, 1-based): chr1:241,497,890, A>G on the plus strand (T>C on the coding strand, the complement: FH is on the minus strand). VCF-style: chr1-241497890-A-G. GRCh37 (hg19) VCF-style: chr1-241661190-A-G.
Other names: short protein forms Y491H.
Identifiers: ClinVar variation 460345 (VCV000460345.27), dbSNP rs749713004, ClinGen allele CA1478431.

ClinVar aggregate classification (germline): Uncertain significance. Review status: criteria provided, multiple submitters, no conflicts (2 of 4 stars). 4 submissions from 4 submitters: Uncertain significance (3). 1 of the submissions does not count toward it. Last evaluated 2025-12-19.

Conditions:
Hereditary cancer-predisposing syndrome. Also called: Neoplastic Syndromes, Hereditary; Tumor predisposition; Hereditary neoplastic syndrome; Hereditary Cancer Syndrome. Identifiers: Orphanet 140162, MedGen C0027672, MeSH D009386, MONDO:0015356.
Fumarase deficiency (FMRD). Also called: Fumaric aciduria; Fumarate Hydratase Deficiency. Identifiers: Orphanet 24, MedGen C0342770, MONDO:0011730, OMIM 606812.

Allele frequency attached by ClinVar (database versions not stated): gnomAD exomes 0.00001; TOPMed 0.00001; ExAC 0.00002.
gnomAD v4.1: 12 of 1,613,498 alleles (0.00074%); highest among the groups gnomAD compares: Non-Finnish European, 0.001%; no homozygotes.

Submissions (4):

Ambry Genetics
Classification: Uncertain significance for Hereditary cancer-predisposing syndrome. Last evaluated: 2025-12-19. Review status: criteria provided, single submitter. Criteria: Ambry Variant Classification Scheme 2023. Collection method: clinical testing. Allele origin: germline.
Comment: The p.Y491H variant (also known as c.1471T>C), located in coding exon 10 of the FH gene, results from a T to C substitution at nucleotide position 1471. The tyrosine at codon 491 is replaced by histidine, an amino acid with similar properties. This amino acid position is not well conserved in available vertebrate species. In addition, the in silico prediction for this alteration is inconclusive. Based on the available evidence, the clinical significance of this variant remains unclear.

Labcorp Genetics (formerly Invitae), Labcorp
Classification: Uncertain significance. Last evaluated: 2025-09-19. Review status: criteria provided, single submitter. Criteria: Invitae Variant Classification Sherloc (09022015). Collection method: clinical testing. Allele origin: germline.
Comment: This sequence change replaces tyrosine, which is neutral and polar, with histidine, which is basic and polar, at codon 491 of the FH protein (p.Tyr491His). This variant is present in population databases (rs749713004, gnomAD 0.003%). This variant has not been reported in the literature in individuals affected with FH-related conditions. ClinVar contains an entry for this variant (Variation ID: 460345). Invitae Evidence Modeling of protein sequence and biophysical properties (such as structural, functional, and spatial information, amino acid conservation, physicochemical variation, residue mobility, and thermodynamic stability) indicates that this missense variant is not expected to disrupt FH protein function with a negative predictive value of 95%. In summary, the available evidence is currently insufficient to determine the role of this variant in disease. Therefore, it has been classified as a Variant of Uncertain Significance.

ARUP Laboratories, Molecular Genetics and Genomics, ARUP Laboratories
Classification: Uncertain significance. Last evaluated: 2020-03-25. Review status: criteria provided, single submitter. Criteria: ARUP Molecular Germline Variant Investigation Process. Collection method: clinical testing. Allele origin: germline.
Comment: The FH c.1471T>C; p.Tyr491His variant (rs749713004), to our knowledge, is not reported in the medical literature but is reported in ClinVar (Variation ID: 460345). This variant is found in the general population with an overall allele frequency of 0.001 % (3 / 250,440 alleles) in the Genome Aggregation Database. The tyrosine at codon 491 is weakly conserved, and computational analyses (SIFT, PolyPhen-2) predict that this variant is tolerated. Due to limited information, the clinical significance of the p.Tyr491His variant is uncertain at this time.

Natera, Inc.
Classification: Uncertain significance for Fumarase Deficiency. Last evaluated: 2019-10-28. Review status: no assertion criteria provided. Collection method: clinical testing. Allele origin: germline. Not counted in ClinVar's aggregate classification.